The following is an entry in ClinVar:

NM_031220.4(PITPNM3):c.2785G>A (p.Val929Met)

Gene: PITPNM3 (PITPNM family member 3; minus strand). Cytogenetic location: 17p13.2.
Variant type: single nucleotide variant.
Coding change: c.2785G>A on transcript NM_031220.4 (MANE Select); coding-DNA position 2785, G replaced by A.
Protein change: p.Val929Met; replaces valine 929 with methionine.
Molecular consequence: missense variant.
Genome position (GRCh38, 1-based): chr17:6,455,478, C>T on the plus strand (G>A on the coding strand, the complement: PITPNM3 is on the minus strand). VCF-style: chr17-6455478-C-T. GRCh37 (hg19) VCF-style: chr17-6358798-C-T.
Other names: c.2677G>A, p.Val893Met (NM_001165966.2); short protein forms V893M, V929M.
Identifiers: ClinVar variation 2815761 (VCV002815761.3), dbSNP rs2543962500, ClinGen allele CA397400091.

ClinVar aggregate classification (germline): Uncertain significance (1 of 4 stars; one submission).

Submission:

Labcorp Genetics (formerly Invitae), Labcorp
Classification: Uncertain significance. Last evaluated: 2022-12-18. Review status: criteria provided, single submitter. Criteria: Invitae Variant Classification Sherloc (09022015). Collection method: clinical testing. Allele origin: germline.
Comment: This sequence change replaces valine, which is neutral and non-polar, with methionine, which is neutral and non-polar, at codon 929 of the PITPNM3 protein (p.Val929Met). This variant is not present in population databases (gnomAD no frequency). This variant has not been reported in the literature in individuals affected with PITPNM3-related conditions. Algorithms developed to predict the effect of missense changes on protein structure and function are either unavailable or do not agree on the potential impact of this missense change (SIFT: "Deleterious"; PolyPhen-2: "Probably Damaging"; Align-GVGD: "Class C0"). In summary, the available evidence is currently insufficient to determine the role of this variant in disease. Therefore, it has been classified as a Variant of Uncertain Significance.